The following is an entry in ClinVar:

ClinVar aggregate classification (germline): Benign/Likely benign. Review status: criteria provided, multiple submitters, no conflicts (2 of 4 stars). 10 submissions from 10 submitters: Benign (2); Likely benign (4). 4 of the submissions do not count toward it. Last evaluated 2026-02-03.

Conditions:
SCN1B-related disorder. Also called: SCN1B-Related Disorders; SCN1B-related condition.
Cardiovascular phenotype. Identifiers: MedGen CN230736.
Brugada syndrome 5 (BRGDA5). Identifiers: Orphanet 130, Orphanet 871, MedGen C2748541, MONDO:0013015, OMIM 612838.

Allele frequency attached by ClinVar (database versions not stated): ExAC 0.00013; TOPMed 0.00019; gnomAD 0.00021; ESP Exome Variant Server 0.00023; gnomAD exomes 0.00030 and 0.00044.

Submissions (10):

Labcorp Genetics (formerly Invitae), Labcorp
Classification: Likely benign for Brugada syndrome 5. Last evaluated: 2026-02-03. Review status: criteria provided, single submitter. Criteria: Invitae Variant Classification Sherloc (09022015). Collection method: clinical testing. Allele origin: germline.

Women's Health and Genetics/Laboratory Corporation of America, LabCorp
Classification: Benign. Last evaluated: 2024-12-06. Review status: criteria provided, single submitter. Criteria: LabCorp Variant Classification Summary - May 2015. Collection method: clinical testing. Allele origin: germline.

Blueprint Genetics
Classification: Likely benign. Last evaluated: 2024-11-11. Review status: criteria provided, single submitter. Criteria: ACMG Guidelines, 2015. Collection method: clinical testing. Allele origin: germline.

CeGaT Center for Human Genetics Tuebingen
Classification: Likely benign. Last evaluated: 2023-06-01. Review status: criteria provided, single submitter. Criteria: CeGaT Center For Human Genetics Tuebingen Variant Classification Criteria Version 2. Collection method: clinical testing. Allele origin: germline. Affected: yes. Observed: 2 variant alleles.
Comment: SCN1B: BP4, BP7

Ambry Genetics
Classification: Likely benign for Cardiovascular phenotype. Last evaluated: 2020-01-03. Review status: criteria provided, single submitter. Criteria: Ambry Variant Classification Scheme 2023. Collection method: clinical testing. Allele origin: germline.

GeneDx
Classification: Benign. Last evaluated: 2014-03-21. Review status: criteria provided, single submitter. Criteria: GeneDx Variant Classification (06012015). Collection method: clinical testing. Allele origin: germline. Affected: yes.
Comment: This variant is considered likely benign or benign based on one or more of the following criteria: it is a conservative change, it occurs at a poorly conserved position in the protein, it is predicted to be benign by multiple in silico algorithms, and/or has population frequency not consistent with disease.

PreventionGenetics, part of Exact Sciences
Classification: Likely benign for SCN1B-related condition. Last evaluated: 2021-01-19. Review status: no assertion criteria provided. Collection method: clinical testing. Allele origin: germline. Not counted in ClinVar's aggregate classification.
Comment: This variant is classified as likely benign based on ACMG/AMP sequence variant interpretation guidelines (Richards et al. 2015 PMID: 25741868, with internal and published modifications).

Clinical Genetics, Academic Medical Center
Classification: Benign. Review status: no assertion criteria provided. Collection method: clinical testing. Allele origin: germline. Affected: yes. Study: VKGL Data-share Consensus. Not counted in ClinVar's aggregate classification.

Genome Diagnostics Laboratory, University Medical Center Utrecht
Classification: Likely benign. Review status: no assertion criteria provided. Collection method: clinical testing. Allele origin: germline. Affected: yes. Study: VKGL Data-share Consensus. Not counted in ClinVar's aggregate classification.

Joint Genome Diagnostic Labs from Nijmegen and Maastricht, Radboudumc and MUMC+
Classification: Likely benign. Review status: no assertion criteria provided. Collection method: clinical testing. Allele origin: germline. Affected: yes. Study: VKGL Data-share Consensus. Not counted in ClinVar's aggregate classification.

NM_001037.5(SCN1B):c.348G>A (p.Ser116=)

Gene: SCN1B (sodium voltage-gated channel beta subunit 1; plus strand). Cytogenetic location: 19q13.11.
Variant type: single nucleotide variant.
Coding change: c.348G>A on transcript NM_001037.5 (MANE Select); coding-DNA position 348, G replaced by A.
Protein change: p.Ser116=; no amino-acid change (serine 116 retained).
Molecular consequence: synonymous variant.
Genome position (GRCh38, 1-based): chr19:35,033,639, G>A. VCF-style: chr19-35033639-G-A. GRCh37 (hg19) VCF-style: chr19-35524543-G-A.
Other names: p.S116S:TCG>TCA; c.249G>A, p.Ser83= (NM_001321605.2); c.348G>A, p.Ser116= (NM_199037.5).
Identifiers: ClinVar variation 138994 (VCV000138994.51), dbSNP rs375050816, ClinGen allele CA293212.